The following is an entry in ClinVar:

ClinVar aggregate classification (germline): Uncertain significance (1 of 4 stars; one submission).

Conditions:
TSHZ1-related disorder. Also called: TSHZ1-related condition.

gnomAD v4.1: 11 of 1,613,560 alleles (0.00068%); highest among the groups gnomAD compares: East Asian, 0.0022%; no homozygotes.

Submission:

PreventionGenetics, part of Exact Sciences
Classification: Uncertain significance for TSHZ1-related condition. Last evaluated: 2026-03-09. Review status: criteria provided, single submitter. Criteria: ACMG Guidelines, 2015. Collection method: clinical testing. Allele origin: germline.
Comment: The TSHZ1 c.1636C>G variant is predicted to result in the amino acid substitution p.Pro546Ala. To our knowledge, this variant has not been reported in the literature. This variant is reported in 0.0029% of alleles in individuals of Latino descent in gnomAD. At this time, the clinical significance of this variant is uncertain due to the absence of conclusive functional and genetic evidence.

NM_001308210.2(TSHZ1):c.1771C>G (p.Pro591Ala)

Gene: TSHZ1 (teashirt zinc finger homeobox 1; plus strand). Cytogenetic location: 18q22.3.
Variant type: single nucleotide variant.
Coding change: c.1771C>G on transcript NM_001308210.2 (MANE Select); coding-DNA position 1771, C replaced by G.
Protein change: p.Pro591Ala; replaces proline 591 with alanine.
Molecular consequence: missense variant.
Genome position (GRCh38, 1-based): chr18:75,287,178, C>G. VCF-style: chr18-75287178-C-G. GRCh37 (hg19) VCF-style: chr18-72999133-C-G.
Other names: c.1636C>G, p.Pro546Ala (NM_005786.6); short protein forms P546A, P591A.
Identifiers: ClinVar variation 4978984 (VCV004978984.1).